The following is an entry in ClinVar:

ClinVar aggregate classification (germline): Likely pathogenic (1 of 4 stars; one submission).

Conditions:
3-methylglutaconic aciduria, type VIIA. Also called: 3-METHYLGLUTACONIC ACIDURIA WITH NEUROLOGIC INVOLVEMENT AND NEUTROPENIA, AUTOSOMAL DOMINANT. Identifiers: MedGen C5676967, MONDO:0859237, OMIM 619835.
Neutropenia, severe congenital, 9, autosomal dominant. Identifiers: MedGen C5676954, MONDO:0030726, OMIM 619813.
3-methylglutaconic aciduria, type VIIB (MGCA7B). Also called: 3-methylglutaconic aciduria, type VII, with cataracts, neurologic involvement and neutropenia; CLPB Deficiency; 3-methylglutaconic aciduria with cataracts, neurologic involvement and neutropenia. Identifiers: Orphanet 445038, MedGen C5676893, MONDO:0014561, OMIM 616271.

gnomAD v4.1: 3 of 1,613,492 alleles (0.00019%); highest among the groups gnomAD compares: African/African-American, 0.0013%; no homozygotes.

Submission:

Juno Genomics, Hangzhou Juno Genomics, Inc
Classification: Likely pathogenic for 3-methylglutaconic aciduria, type VIIA; 3-methylglutaconic aciduria, type VIIB; Neutropenia, severe congenital, 9, autosomal dominant. Review status: criteria provided, single submitter. Criteria: ACMG Guidelines, 2015. Collection method: clinical testing. Allele origin: germline.
Comment: Null variant in a gene where loss of function (LOF) is a known mechanism of disease.;Absent from controls (or at extremely low frequency if recessive) in Genome Aggregation Database.

NM_001258392.3(CLPB):c.264G>A (p.Trp88Ter)

Genes: CLPB (ClpB family mitochondrial disaggregase; minus strand), LOC130006336 (ATAC-STARR-seq lymphoblastoid active region 5191; plus strand). Cytogenetic location: 11q13.4.
Variant type: single nucleotide variant.
Coding change: c.264G>A on transcript NM_001258392.3 (MANE Select); coding-DNA position 264, G replaced by A.
Protein change: p.Trp88Ter; replaces tryptophan 88 with a stop codon.
Molecular consequence: nonsense. On other transcripts: missense variant (1).
Genome position (GRCh38, 1-based): chr11:72,434,211, C>T on the plus strand (G>A on the coding strand, the complement: CLPB is on the minus strand). VCF-style: chr11-72434211-C-T. GRCh37 (hg19) VCF-style: chr11-72145255-C-T.
Other names: c.264G>A, p.Trp88Ter (NM_001258393.3, NM_030813.6); c.22G>A, p.Gly8Arg (NM_001258394.3); short protein forms G8R, W88*.
Identifiers: ClinVar variation 5037961 (VCV005037961.2).